The following is an entry in ClinVar:

ClinVar aggregate classification (germline): Uncertain significance (1 of 4 stars; one submission).

Conditions:
Early-onset Parkinson disease 20. Also called: PARKINSON DISEASE 20, AUTOSOMAL RECESSIVE EARLY-ONSET. Identifiers: Orphanet 391411, MedGen C3809824, MONDO:0014233, OMIM 615530.
Developmental and epileptic encephalopathy, 53. Also called: Epileptic encephalopathy, early infantile, 53. Identifiers: MedGen C4479313, MONDO:0033362, OMIM 617389.

Allele frequency attached by ClinVar (database versions not stated): gnomAD exomes below 0.00001.
gnomAD v4.1: 1 of 1,533,726 alleles (0.000065%); highest among the groups gnomAD compares: African/African-American, 0.0014%; no homozygotes.

Submission:

Labcorp Genetics (formerly Invitae), Labcorp
Classification: Uncertain significance for Developmental and epileptic encephalopathy, 53; Early-onset Parkinson disease 20. Last evaluated: 2019-06-09. Review status: criteria provided, single submitter. Criteria: Invitae Variant Classification Sherloc (09022015). Collection method: clinical testing. Allele origin: germline.
Comment: In summary, the available evidence is currently insufficient to determine the role of this variant in disease. Therefore, it has been classified as a Variant of Uncertain Significance. Algorithms developed to predict the effect of missense changes on protein structure and function are either unavailable or do not agree on the potential impact of this missense change (SIFT: "Not available"; PolyPhen-2: "Benign"; Align-GVGD: "Class C0"). This variant has not been reported in the literature in individuals with SYNJ1-related conditions. The frequency data for this variant in the population databases is considered unreliable, as metrics indicate insufficient coverage at this position in the ExAC database. This sequence change replaces arginine with lysine at codon 30 of the SYNJ1 protein (p.Arg30Lys). The arginine residue is weakly conserved and there is a small physicochemical difference between arginine and lysine.

NM_203446.3(SYNJ1):c.-29G>A

Gene: SYNJ1 (synaptojanin 1; minus strand). Cytogenetic location: 21q22.11.
Variant type: single nucleotide variant.
Coding change: c.-29G>A on transcript NM_203446.3 (MANE Select); 29 bases upstream of the start codon, G replaced by A.
Molecular consequence: 5 prime UTR variant. On other transcripts: missense variant (1).
Genome position (GRCh38, 1-based): chr21:32,727,952, C>T on the plus strand (G>A on the coding strand, the complement: SYNJ1 is on the minus strand). VCF-style: chr21-32727952-C-T. GRCh37 (hg19) VCF-style: chr21-34100263-C-T.
Other names: c.89G>A, p.Arg30Lys (NM_003895.4); short protein forms R30K.
Identifiers: ClinVar variation 951416 (VCV000951416.10), dbSNP rs2043550944, ClinGen allele CA410078632.